The following is an entry in ClinVar:

NM_014009.4(FOXP3):c.473T>A (p.Leu158Gln)

Gene: FOXP3 (forkhead box P3; minus strand). Cytogenetic location: Xp11.23.
Variant type: single nucleotide variant.
Coding change: c.473T>A on transcript NM_014009.4 (MANE Select); coding-DNA position 473, T replaced by A.
Protein change: p.Leu158Gln; replaces leucine 158 with glutamine.
Molecular consequence: missense variant.
Genome position (GRCh38, 1-based): chrX:49,256,994, A>T on the plus strand (T>A on the coding strand, the complement: FOXP3 is on the minus strand). VCF-style: chrX-49256994-A-T. GRCh37 (hg19) VCF-style: chrX-49113451-A-T.
Other names: c.368T>A, p.Leu123Gln (NM_001114377.2); short protein forms L123Q, L158Q.
Identifiers: ClinVar variation 2197781 (VCV002197781.5), dbSNP rs1557116475, ClinGen allele CA412952583.

ClinVar aggregate classification (germline): Uncertain significance. Review status: criteria provided, multiple submitters, no conflicts (2 of 4 stars). 2 submissions from 2 submitters: Uncertain significance (2). Last evaluated 2026-01-28.

Conditions:
Insulin-dependent diabetes mellitus secretory diarrhea syndrome (IPEX). Also called: IPEX and IPEX-Like; Immunodeficiency, Polyendocrinopathy, and Enteropathy X-Linked Syndrome; X-Linked Syndrome of Polyendocrinopathy, Immune Dysfunction, and Diarrhea; IMMUNODEFICIENCY, POLYENDOCRINOPATHY, AND ENTEROPATHY, X-LINKED; DIABETES MELLITUS, CONGENITAL INSULIN-DEPENDENT, WITH FATAL SECRETORY DIARRHEA; DIARRHEA, POLYENDOCRINOPATHY, FATAL INFECTION SYNDROME, X-LINKED. Identifiers: Orphanet 37042, MedGen C0342288, MONDO:0010580, OMIM 304790. Disease mechanism: loss of function.

Allele frequency attached by ClinVar (database versions not stated): gnomAD exomes below 0.00001; TOPMed 0.00003.
gnomAD v4.1: 1 of 1,209,789 alleles (0.000083%); highest among the groups gnomAD compares: Admixed American, 0.0022%; no homozygotes.

Submissions (2):

Labcorp Genetics (formerly Invitae), Labcorp
Classification: Uncertain significance for Insulin-dependent diabetes mellitus secretory diarrhea syndrome. Last evaluated: 2026-01-28. Review status: criteria provided, single submitter. Criteria: Invitae Variant Classification Sherloc (09022015). Collection method: clinical testing. Allele origin: germline.
Comment: This sequence change replaces leucine, which is neutral and non-polar, with glutamine, which is neutral and polar, at codon 158 of the FOXP3 protein (p.Leu158Gln). The frequency data for this variant in the population databases is considered unreliable, as metrics indicate poor data quality at this position in the gnomAD database. This variant has not been reported in the literature in individuals affected with FOXP3-related conditions. ClinVar contains an entry for this variant (Variation ID: 2197781). Invitae Evidence Modeling of protein sequence and biophysical properties (such as structural, functional, and spatial information, amino acid conservation, physicochemical variation, residue mobility, and thermodynamic stability) indicates that this missense variant is not expected to disrupt FOXP3 protein function with a negative predictive value of 80%. In summary, the available evidence is currently insufficient to determine the role of this variant in disease. Therefore, it has been classified as a Variant of Uncertain Significance.

Fulgent Genetics
Classification: Uncertain significance for Insulin-dependent diabetes mellitus secretory diarrhea syndrome. Last evaluated: 2024-03-07. Review status: criteria provided, single submitter. Criteria: ACMG Guidelines, 2015. Collection method: clinical testing. Allele origin: germline.